The following is an entry in ClinVar:

NM_000062.3(SERPING1):c.1376C>A (p.Ala459Asp)

Gene: SERPING1 (serpin family G member 1; plus strand). Cytogenetic location: 11q12.1.
Variant type: single nucleotide variant.
Coding change: c.1376C>A on transcript NM_000062.3 (MANE Select); coding-DNA position 1376, C replaced by A.
Protein change: p.Ala459Asp; replaces alanine 459 with aspartic acid.
Molecular consequence: missense variant.
Genome position (GRCh38, 1-based): chr11:57,614,454, C>A. VCF-style: chr11-57614454-C-A. GRCh37 (hg19) VCF-style: chr11-57381927-C-A.
Other names: c.1376C>A, p.Ala459Asp (NM_001032295.2); short protein forms A459D.
Identifiers: ClinVar variation 3256137 (VCV003256137.2).

ClinVar aggregate classification (germline): Pathogenic (1 of 4 stars; one submission).

Conditions:
Hereditary angioedema type 1 (HAE1). Identifiers: Orphanet 100050, Orphanet 100051, Orphanet 91378, MedGen C2717906, MONDO:0015053, OMIM 106100.

Submission:

DNA-diagnostics Laboratory, Research Centre For Medical Genetics
Classification: Pathogenic for Hereditary angioedema type 1. Last evaluated: 2024-07-28. Review status: criteria provided, single submitter. Criteria: ACMG Guidelines, 2015. Collection method: research. Allele origin: germline. Inheritance: Autosomal dominant inheritance. Affected: yes. Observed: 1 heterozygote.
Comment: According to our observation and published information (Cagini et al., 2016), the c.1376C>A variant in SERPING1 meets ACMG/ClinGen SVI guidance criteria to be classified as pathogenic: PM5, PS4_Mod, PP4_Mod, PM2_Sup, PP3

Literature cited by the submitters: PubMed 26812872.